The following is an entry in ClinVar:

ClinVar aggregate classification (germline): Likely benign (1 of 4 stars; one submission).

Allele frequency attached by ClinVar (database versions not stated): gnomAD 0.00010; TOPMed 0.00010; 1000 Genomes Project 0.00080; 1000 Genomes Project 30x 0.00094.
gnomAD v4.1: 16 of 152,336 alleles (0.011%); highest among the groups gnomAD compares: South Asian, 0.14%; no homozygotes.

Submission:

CeGaT Center for Human Genetics Tuebingen
Classification: Likely benign. Last evaluated: 2026-03-01. Review status: criteria provided, single submitter. Criteria: CeGaT Center For Human Genetics Tuebingen Variant Classification Criteria Version 2. Collection method: clinical testing. Allele origin: germline. Affected: yes. Observed: 4 variant alleles.
Comment: BRAF: BS1

NM_004333.6(BRAF):c.981-2908A>G

Gene: BRAF (B-Raf proto-oncogene, serine/threonine kinase; minus strand). Cytogenetic location: 7q34.
Variant type: single nucleotide variant.
Coding change: c.981-2908A>G on transcript NM_004333.6 (MANE Select); 2908 bases into the intron before coding-DNA position 981, A replaced by G.
Molecular consequence: intron variant.
Genome position (GRCh38, 1-based): chr7:140,797,375, T>C on the plus strand (A>G on the coding strand, the complement: BRAF is on the minus strand). VCF-style: chr7-140797375-T-C. GRCh37 (hg19) VCF-style: chr7-140497175-T-C.
Other names: c.981-2908A>G (NM_001378474.1, NM_001378471.1, NM_001378468.1 and 4 more transcripts); c.879-2908A>G (NM_001378470.1); c.717-2908A>G (NM_001378475.1); c.990-2908A>G (NM_001378467.1); c.825-2908A>G (NM_001378472.1, NM_001378473.1).
Identifiers: ClinVar variation 2658078 (VCV002658078.24), dbSNP rs556200380, ClinGen allele CA168103236.